The following is an entry in ClinVar:

NM_001164508.2(NEB):c.6032C>T (p.Pro2011Leu)

Gene: NEB (nebulin; minus strand). Cytogenetic location: 2q23.3.
Variant type: single nucleotide variant.
Coding change: c.6032C>T on transcript NM_001164508.2 (MANE Select); coding-DNA position 6032, C replaced by T.
Protein change: p.Pro2011Leu; replaces proline 2011 with leucine.
Molecular consequence: missense variant.
Genome position (GRCh38, 1-based): chr2:151,659,108, G>A on the plus strand (C>T on the coding strand, the complement: NEB is on the minus strand). VCF-style: chr2-151659108-G-A. GRCh37 (hg19) VCF-style: chr2-152515622-G-A.
Other names: c.6032C>T, p.Pro2011Leu (NM_001164507.2, NM_001271208.2, NM_004543.5); short protein forms P2011L.
Identifiers: ClinVar variation 953576 (VCV000953576.8), dbSNP rs2099118243, ClinGen allele CA348803058.

ClinVar aggregate classification (germline): Uncertain significance. Review status: criteria provided, single submitter (1 of 4 stars). 2 submissions from 2 submitters: Uncertain significance (1). 1 of the submissions does not count toward it. Last evaluated 2021-08-13.

Conditions:
Nemaline myopathy 2 (NEM2). Also called: Nemaline myopathy 2, autosomal recessive. Identifiers: MedGen C1850569, MONDO:0009725, OMIM 256030.

Allele frequency attached by ClinVar (database versions not stated): gnomAD exomes below 0.00001.
gnomAD v4.1: 1 of 1,612,972 alleles (0.000062%); highest among the groups gnomAD compares: Non-Finnish European, 0.000085%; no homozygotes.

Submissions (2):

Labcorp Genetics (formerly Invitae), Labcorp
Classification: Uncertain significance for Nemaline myopathy 2. Last evaluated: 2021-08-13. Review status: criteria provided, single submitter. Criteria: Invitae Variant Classification Sherloc (09022015). Collection method: clinical testing. Allele origin: germline.
Comment: This sequence change replaces proline with leucine at codon 2011 of the NEB protein (p.Pro2011Leu). The proline residue is moderately conserved and there is a moderate physicochemical difference between proline and leucine. This variant is not present in population databases (ExAC no frequency). This variant has not been reported in the literature in individuals affected with NEB-related conditions. Algorithms developed to predict the effect of missense changes on protein structure and function are either unavailable or do not agree on the potential impact of this missense change (SIFT: "Deleterious"; PolyPhen-2: "Not Available"; Align-GVGD: "Class C0"). In summary, the available evidence is currently insufficient to determine the role of this variant in disease. Therefore, it has been classified as a Variant of Uncertain Significance.

Natera, Inc.
Classification: Uncertain significance for Nemaline myopathy type 2. Last evaluated: 2020-03-10. Review status: no assertion criteria provided. Collection method: clinical testing. Allele origin: germline. Not counted in ClinVar's aggregate classification.